The following is an entry in ClinVar:

NM_007194.4(CHEK2):c.680dup (p.Ser228fs)

Gene: CHEK2 (checkpoint kinase 2; minus strand). Cytogenetic location: 22q12.1.
Variant type: Duplication.
Coding change: c.680dup on transcript NM_007194.4 (MANE Select); coding-DNA position 680, one base duplicated (G; older notation c.680dupG).
Protein change: p.Ser228fs; shifts the reading frame from serine 228.
Molecular consequence: frameshift variant. On other transcripts: intron variant (1).
Genome position (GRCh38, 1-based): chr22:28,719,398, C duplicated on the plus strand (G on the coding strand, the reverse complement: CHEK2 is on the minus strand); the first of 2 consecutive C bases (chr22:28,719,398-28,719,399); duplicating either gives the same sequence. VCF-style (leftmost placement, unchanged base first): chr22-28719397-T-TC. GRCh37 (hg19) VCF-style: chr22-29115385-T-TC.
Other names: c.809dup, p.Ser271fs (NM_001005735.3, NM_001438294.1); c.17dup, p.Ser7fs (NM_001257387.3, NM_001437942.1); c.773dup, p.Ser259fs (NM_001438293.1, NM_001438295.1); c.680dup, p.Ser228fs (NM_145862.3); c.482+5488dup (NM_001349956.3); short protein forms S228fs, S271fs, S7fs, S259fs.
Identifiers: ClinVar variation 2583378 (VCV002583378.2), dbSNP rs2518008124, ClinGen allele CA2582342739.

ClinVar aggregate classification (germline): Pathogenic (1 of 4 stars; one submission).

Conditions:
Familial cancer of breast. Also called: Hereditary breast cancer; BREAST CANCER, FAMILIAL; hereditary breast carcinoma. Identifiers: Orphanet 227535, MedGen C0346153, MONDO:0016419, OMIM 114480. Disease mechanism: loss of function.

Submission:

Myriad Genetics, Inc.
Classification: Pathogenic for Familial cancer of breast. Last evaluated: 2023-06-26. Review status: criteria provided, single submitter. Criteria: Myriad Autosomal Dominant, Autosomal Recessive and X-Linked Classification Criteria (2023). Collection method: clinical testing. Allele origin: unknown.
Comment: This variant is considered pathogenic. This variant creates a frameshift predicted to result in premature protein truncation.